The following is an entry in ClinVar:

NM_032436.4(CHAMP1):c.490T>C (p.Ser164Pro)

Gene: CHAMP1 (chromosome alignment maintaining phosphoprotein 1; plus strand). Cytogenetic location: 13q34.
Variant type: single nucleotide variant.
Coding change: c.490T>C on transcript NM_032436.4 (MANE Select); coding-DNA position 490, T replaced by C.
Protein change: p.Ser164Pro; replaces serine 164 with proline.
Molecular consequence: missense variant.
Genome position (GRCh38, 1-based): chr13:114,324,332, T>C. VCF-style: chr13-114324332-T-C. GRCh37 (hg19) VCF-style: chr13-115089807-T-C.
Other names: c.490T>C (NM_032436.2); c.490T>C, p.Ser164Pro (NM_001164144.3, NM_001164145.3); short protein forms S164P.
Identifiers: ClinVar variation 1703183 (VCV001703183.4), dbSNP rs2087210460, ClinGen allele CA388846512.

ClinVar aggregate classification (germline): Uncertain significance. Review status: criteria provided, multiple submitters, no conflicts (2 of 4 stars). 2 submissions from 2 submitters: Uncertain significance (2). Last evaluated 2025-10-06.

Conditions:
Inborn genetic diseases. Identifiers: MedGen C0950123, MeSH D030342.

Allele frequency attached by ClinVar (database versions not stated): gnomAD 0.00001; gnomAD exomes below 0.00001; TOPMed 0.00001.
gnomAD v4.1: 2 of 1,613,948 alleles (0.00012%); highest among the groups gnomAD compares: African/African-American, 0.0027%; no homozygotes.

Submissions (2):

Ambry Genetics
Classification: Uncertain significance for Inborn genetic diseases. Last evaluated: 2025-10-06. Review status: criteria provided, single submitter. Criteria: Ambry Variant Classification Scheme 2023. Collection method: clinical testing. Allele origin: germline.

Greenwood Genetic Center Diagnostic Laboratories, Greenwood Genetic Center
Classification: Uncertain significance. Last evaluated: 2022-05-05. Review status: criteria provided, single submitter. Criteria: ACMG Guidelines, 2015. Collection method: clinical testing. Allele origin: germline. Affected: yes.
Comment: PM2